The following is an entry in ClinVar:

NM_001083962.2(TCF4):c.990+3G>T

Gene: TCF4 (transcription factor 4; minus strand). Cytogenetic location: 18q21.2.
Variant type: single nucleotide variant.
Coding change: c.990+3G>T on transcript NM_001083962.2 (MANE Select); 3 bases into the intron after coding-DNA position 990, G replaced by T.
Molecular consequence: intron variant.
Genome position (GRCh38, 1-based): chr18:55,261,463, C>A on the plus strand (G>T on the coding strand, the complement: TCF4 is on the minus strand). VCF-style: chr18-55261463-C-A. GRCh37 (hg19) VCF-style: chr18-52928694-C-A.
Other names: c.1296+3G>T (NM_001243226.3); c.915+3G>T (NM_001369584.1, NM_001369576.1, NM_001369585.1 and 3 more transcripts); c.918+3G>T (NM_001369577.1, NM_001369582.1, NM_001243227.2 and 9 more transcripts); c.990+3G>T (NM_001369571.1, NM_001369567.1, NM_001369572.1 and 4 more transcripts); c.1008+3G>T (NM_001243228.2); c.984+3G>T (NM_001243230.2); c.987+3G>T (NM_001369569.1, NM_001369573.1, NM_001369570.1); c.864+3G>T (NM_001243231.2, NM_001348211.2); and 4 more.
Identifiers: ClinVar variation 2430683 (VCV002430683.1), dbSNP rs2512294229, ClinGen allele CA2580095926.

ClinVar aggregate classification (germline): Uncertain significance (1 of 4 stars; one submission).

Submission:

GeneDx
Classification: Uncertain significance. Last evaluated: 2022-08-22. Review status: criteria provided, single submitter. Criteria: GeneDx Variant Classification Process June 2021. Collection method: clinical testing. Allele origin: germline. Affected: yes.
Comment: Not observed at significant frequency in large population cohorts (gnomAD); In silico analysis supports a deleterious effect on splicing; Has not been previously published as pathogenic or benign to our knowledge